The following is an entry in ClinVar:

NM_024490.4(ATP10A):c.1107G>A (p.Leu369=)

Gene: ATP10A (ATPase phospholipid transporting 10A (putative); minus strand). Cytogenetic location: 15q12.
Variant type: single nucleotide variant.
Coding change: c.1107G>A on transcript NM_024490.4 (MANE Select); coding-DNA position 1107, G replaced by A.
Protein change: p.Leu369=; no amino-acid change (leucine 369 retained).
Molecular consequence: synonymous variant.
Genome position (GRCh38, 1-based): chr15:25,723,894, C>T on the plus strand (G>A on the coding strand, the complement: ATP10A is on the minus strand). VCF-style: chr15-25723894-C-T. GRCh37 (hg19) VCF-style: chr15-25969041-C-T.
Identifiers: ClinVar variation 785476 (VCV000785476.7), dbSNP rs28377484, ClinGen allele CA7436924.
Genomic context (GRCh38, chr15:25,723,894, plus strand): 5'-TTTTAAGTTCTCTTCATAAAAGTAAAGCAATTATTGTACGATACTTAGTATTGTTACCTG[C>T]AGAACTATTATCATTGTTAAAAATGAGTAAACTGCAGCTGTGACTGGGGATAAGGAGCTT-3'
Protein context (NP_077816.1, residues 359-379): VYSFLTMIIV[Leu369=]QVLIPISLYV

ClinVar aggregate classification (germline): Benign. Review status: criteria provided, multiple submitters, no conflicts (2 of 4 stars). 3 submissions from 3 submitters: Benign (2). 1 of the submissions does not count toward it. Last evaluated 2019-12-31.

Conditions:
ATP10A-related disorder. Also called: ATP10A-related condition.

Allele frequency attached by ClinVar (database versions not stated): gnomAD exomes 0.00287 and 0.00093; gnomAD 0.00733 and 0.00774; ExAC 0.00326; 1000 Genomes Project 0.00978; ESP Exome Variant Server 0.00846; TOPMed 0.00850; 1000 Genomes Project 30x 0.00921.
gnomAD v4.1: 2,512 of 1,597,462 alleles (0.16%); highest among the groups gnomAD compares: African/African-American, 2.5%; 36 homozygotes.

Submissions (3):

Labcorp Genetics (formerly Invitae), Labcorp
Classification: Benign. Last evaluated: 2019-12-31. Review status: criteria provided, single submitter. Criteria: Invitae Variant Classification Sherloc (09022015). Collection method: clinical testing. Allele origin: germline.

Breakthrough Genomics
Classification: Benign. Review status: criteria provided, single submitter. Criteria: ACMG Guidelines, 2015. Collection method: not provided. Allele origin: germline. Inheritance: Unknown mechanism. Affected: yes.

PreventionGenetics, part of Exact Sciences
Classification: Benign for ATP10A-related condition. Last evaluated: 2019-06-07. Review status: no assertion criteria provided. Collection method: clinical testing. Allele origin: germline. Not counted in ClinVar's aggregate classification.
Comment: This variant is classified as benign based on ACMG/AMP sequence variant interpretation guidelines (Richards et al. 2015 PMID: 25741868, with internal and published modifications).